The following is an entry in ClinVar:

NM_000111.3(SLC26A3):c.1832A>G (p.Asn611Ser)

Gene: SLC26A3 (solute carrier family 26 member 3; minus strand). Cytogenetic location: 7q22.3.
Variant type: single nucleotide variant.
Coding change: c.1832A>G on transcript NM_000111.3 (MANE Select); coding-DNA position 1832, A replaced by G.
Protein change: p.Asn611Ser; replaces asparagine 611 with serine.
Molecular consequence: missense variant.
Genome position (GRCh38, 1-based): chr7:107,774,095, T>C on the plus strand (A>G on the coding strand, the complement: SLC26A3 is on the minus strand). VCF-style: chr7-107774095-T-C. GRCh37 (hg19) VCF-style: chr7-107414540-T-C.
Other names: short protein forms N611S.
Identifiers: ClinVar variation 1461417 (VCV001461417.8), dbSNP rs1794070482, ClinGen allele CA368850341.

ClinVar aggregate classification (germline): Uncertain significance (1 of 4 stars; one submission).

Submission:

Labcorp Genetics (formerly Invitae), Labcorp
Classification: Uncertain significance. Last evaluated: 2022-11-28. Review status: criteria provided, single submitter. Criteria: Invitae Variant Classification Sherloc (09022015). Collection method: clinical testing. Allele origin: germline.
Comment: This sequence change replaces asparagine, which is neutral and polar, with serine, which is neutral and polar, at codon 611 of the SLC26A3 protein (p.Asn611Ser). This variant is not present in population databases (gnomAD no frequency). In summary, the available evidence is currently insufficient to determine the role of this variant in disease. Therefore, it has been classified as a Variant of Uncertain Significance. Advanced modeling of protein sequence and biophysical properties (such as structural, functional, and spatial information, amino acid conservation, physicochemical variation, residue mobility, and thermodynamic stability) performed at Invitae indicates that this missense variant is not expected to disrupt SLC26A3 protein function. ClinVar contains an entry for this variant (Variation ID: 1461417). This variant has not been reported in the literature in individuals affected with SLC26A3-related conditions.